The following is an entry in ClinVar:

NM_004960.4(FUS):c.*139T>G

Gene: FUS (FUS RNA binding protein; plus strand). Cytogenetic location: 16p11.2.
Variant type: single nucleotide variant.
Coding change: c.*139T>G on transcript NM_004960.4 (MANE Select); 139 bases downstream of the stop codon, T replaced by G.
Molecular consequence: 3 prime UTR variant. On other transcripts: non-coding transcript variant (1).
Genome position (GRCh38, 1-based): chr16:31,191,577, T>G. VCF-style: chr16-31191577-T-G. GRCh37 (hg19) VCF-style: chr16-31202898-T-G.
Other names: c.*139T>G (NM_001170634.1, NM_001170937.1).
Identifiers: ClinVar variation 3029453 (VCV003029453.2), dbSNP rs781067585, ClinGen allele CA8024156.

ClinVar aggregate classification (germline): Likely benign (0 of 4 stars; one submission).

Conditions:
FUS-related disorder. Also called: FUS-related condition.

Allele frequency attached by ClinVar (database versions not stated): TOPMed 0.00001; gnomAD exomes 0.00004; ExAC 0.00017.
gnomAD v4.1: 34 of 945,098 alleles (0.0036%); highest among the groups gnomAD compares: South Asian, 0.046%; 2 homozygotes.

Submission:

PreventionGenetics, part of Exact Sciences
Classification: Likely benign for FUS-related condition. Last evaluated: 2023-05-17. Review status: no assertion criteria provided. Collection method: clinical testing. Allele origin: germline.
Comment: This variant is classified as likely benign based on ACMG/AMP sequence variant interpretation guidelines (Richards et al. 2015 PMID: 25741868, with internal and published modifications).